The following is an entry in ClinVar:

ClinVar aggregate classification (germline): Conflicting classifications of pathogenicity. Review status: criteria provided, conflicting classifications (1 of 4 stars). 5 submissions from 5 submitters: Uncertain significance (2); Likely benign (1). 2 of the submissions do not count toward it. Last evaluated 2026-09-10.

Conditions:
Cardiomyopathy (CMYO). Also called: Cardiomyopathies. Identifiers: Orphanet 167848, MedGen C0878544, MONDO:0004994, HP:0001638. Inheritance: Various modes of inheritance.
TTN-related disorder. Also called: TTN-related disorders; TTN-related condition; TTN-related disease.

Allele frequency attached by ClinVar (database versions not stated): ExAC 0.00001; gnomAD 0.00001; gnomAD exomes 0.00001 and 0.00002; TOPMed 0.00001.
gnomAD v4.1: 34 of 1,613,366 alleles (0.0021%); highest among the groups gnomAD compares: Non-Finnish European, 0.0025%; no homozygotes.

Submissions (5):

PreventionGenetics, part of Exact Sciences
Classification: Uncertain significance for TTN-related condition. Last evaluated: 2026-09-10. Review status: criteria provided, single submitter. Criteria: ACMG Guidelines, 2015. Collection method: clinical testing. Allele origin: germline.
Comment: The TTN c.67834G>A variant is predicted to result in the amino acid substitution p.Asp22612Asn. To our knowledge, this variant has not been reported in the literature. This variant is reported in 0.0065% of alleles in individuals of South Asian descent in gnomAD. At this time, the clinical significance of this variant is uncertain due to the absence of conclusive functional and genetic evidence.

CHEO Genetics Diagnostic Laboratory, Children's Hospital of Eastern Ontario
Classification: Uncertain significance for Cardiomyopathy. Last evaluated: 2018-08-02. Review status: criteria provided, single submitter. Criteria: ACMG Guidelines, 2015. Collection method: clinical testing. Allele origin: germline.

GeneDx
Classification: Likely benign. Last evaluated: 2018-06-05. Review status: criteria provided, single submitter. Criteria: GeneDx Variant Classification (06012015). Collection method: clinical testing. Allele origin: germline. Affected: yes.
Comment: This variant is considered likely benign or benign based on one or more of the following criteria: it is a conservative change, it occurs at a poorly conserved position in the protein, it is predicted to be benign by multiple in silico algorithms, and/or has population frequency not consistent with disease.

Clinical Genetics DNA and cytogenetics Diagnostics Lab, Erasmus MC, Erasmus Medical Center
Classification: Uncertain significance. Review status: no assertion criteria provided. Collection method: clinical testing. Allele origin: germline. Affected: yes. Study: VKGL Data-share Consensus. Not counted in ClinVar's aggregate classification.

Genome Diagnostics Laboratory, Amsterdam University Medical Center
Classification: Uncertain significance. Review status: no assertion criteria provided. Collection method: clinical testing. Allele origin: germline. Affected: yes. Study: VKGL Data-share Consensus. Not counted in ClinVar's aggregate classification.

NM_001267550.2(TTN):c.67834G>A (p.Asp22612Asn)

Genes: TTN (titin; minus strand), TTN-AS1 (TTN antisense RNA 1; plus strand), LOC126806423 (CDK7 strongly-dependent group 2 enhancer GRCh37_chr2:179443309-179444508; plus strand). Cytogenetic location: 2q31.2.
Variant type: single nucleotide variant.
Coding change: c.67834G>A on transcript NM_001267550.2 (MANE Select); coding-DNA position 67834, G replaced by A.
Protein change: p.Asp22612Asn; replaces aspartic acid 22612 with asparagine.
Molecular consequence: missense variant.
Genome position (GRCh38, 1-based): chr2:178,579,196, C>T on the plus strand (G>A on the coding strand, the complement: TTN is on the minus strand). VCF-style: chr2-178579196-C-T. GRCh37 (hg19) VCF-style: chr2-179443923-C-T.
Other names: c.62911G>A, p.Asp20971Asn (NM_001256850.1); c.40639G>A, p.Asp13547Asn (NM_003319.4); c.60130G>A, p.Asp20044Asn (NM_133378.4); c.41014G>A, p.Asp13672Asn (NM_133432.3); c.41215G>A, p.Asp13739Asn (NM_133437.4); short protein forms D13739N, D20971N, D20044N, D13547N, D13672N, D22612N.
Identifiers: ClinVar variation 669310 (VCV000669310.6), dbSNP rs757888367, ClinGen allele CA1991226.